The following is an entry in ClinVar:

NM_000135.4(FANCA):c.1207G>A (p.Ala403Thr)

Gene: FANCA (FA complementation group A; minus strand). Cytogenetic location: 16q24.3.
Variant type: single nucleotide variant.
Coding change: c.1207G>A on transcript NM_000135.4 (MANE Select); coding-DNA position 1207, G replaced by A.
Protein change: p.Ala403Thr; replaces alanine 403 with threonine.
Molecular consequence: missense variant.
Genome position (GRCh38, 1-based): chr16:89,791,945, C>T on the plus strand (G>A on the coding strand, the complement: FANCA is on the minus strand). VCF-style: chr16-89791945-C-T. GRCh37 (hg19) VCF-style: chr16-89858353-C-T.
Other names: c.1207G>A, p.Ala403Thr (NM_001286167.3); short protein forms A403T.
Identifiers: ClinVar variation 4022105 (VCV004022105.1).
Genomic context (GRCh38, chr16:89,791,945, plus strand): 5'-CACACTCTTGACCAGCACCACCGGGCTCGCGTAAAAGCTCACCTTCAAGCAGCTGCTGCG[C>T]TTCTGGAAAGCAGACAACCAGGGCAGACACAAAGGAGAGCACTCTCTGCCAGTGAACCTC-3'
Protein context (NP_000126.2, residues 393-413): VSALVVCFPE[Ala403Thr]QQLLEDWVAR

ClinVar aggregate classification (germline): Uncertain significance (1 of 4 stars; one submission).

Conditions:
Inborn genetic diseases. Identifiers: MedGen C0950123, MeSH D030342.

gnomAD v4.1: 2 of 1,614,184 alleles (0.00012%); highest among the groups gnomAD compares: South Asian, 0.0011%; no homozygotes.

Submission:

Ambry Genetics
Classification: Uncertain significance for Inborn genetic diseases. Last evaluated: 2025-03-24. Review status: criteria provided, single submitter. Criteria: Ambry Variant Classification Scheme 2023. Collection method: clinical testing. Allele origin: germline.
Comment: The p.A403T variant (also known as c.1207G>A), located in coding exon 13 of the FANCA gene, results from a G to A substitution at nucleotide position 1207. The alanine at codon 403 is replaced by threonine, an amino acid with similar properties. This amino acid position is conserved. In addition, the in silico prediction for this alteration is inconclusive. Based on the available evidence, the clinical significance of this variant remains unclear.